The following is an entry in ClinVar:

NM_172107.4(KCNQ2):c.2344C>T (p.Arg782Trp)

Gene: KCNQ2 (potassium voltage-gated channel subfamily Q member 2; minus strand). Cytogenetic location: 20q13.33.
Variant type: single nucleotide variant.
Coding change: c.2344C>T on transcript NM_172107.4 (MANE Select); coding-DNA position 2344, C replaced by T.
Protein change: p.Arg782Trp; replaces arginine 782 with tryptophan.
Molecular consequence: missense variant.
Genome position (GRCh38, 1-based): chr20:63,406,919, G>A on the plus strand (C>T on the coding strand, the complement: KCNQ2 is on the minus strand). VCF-style: chr20-63406919-G-A. GRCh37 (hg19) VCF-style: chr20-62038272-G-A.
Other names: c.2398C>T, p.Arg800Trp (NM_001382235.1); c.2260C>T, p.Arg754Trp (NM_004518.6); c.2290C>T, p.Arg764Trp (NM_172106.3); c.2251C>T, p.Arg751Trp (NM_172108.5); short protein forms R751W, R754W, R764W, R782W, R800W.
Identifiers: ClinVar variation 1302247 (VCV001302247.12), dbSNP rs745990385, ClinGen allele CA9958094.

ClinVar aggregate classification (germline): Uncertain significance. Review status: criteria provided, multiple submitters, no conflicts (2 of 4 stars). 4 submissions from 4 submitters: Uncertain significance (4). Last evaluated 2024-05-15.

Conditions:
Early-infantile DEE. Also called: Early infantile epileptic encephalopathy with suppression bursts; Early infantile epileptic encephalopathy; Ohtahara syndrome. Identifiers: Orphanet 1934, MedGen C0393706, MONDO:0800491.
Dystonia, early-onset, and/or spastic paraplegia. Identifiers: MedGen C5562051, MONDO:0859215, OMIM 619681.

Allele frequency attached by ClinVar (database versions not stated): gnomAD 0.00001; TOPMed 0.00002; ExAC 0.00008.
gnomAD v4.1: 17 of 1,607,888 alleles (0.0011%); highest among the groups gnomAD compares: African/African-American, 0.0013%; no homozygotes.

Submissions (4):

Labcorp Genetics (formerly Invitae), Labcorp
Classification: Uncertain significance for Early-infantile DEE. Last evaluated: 2024-05-15. Review status: criteria provided, single submitter. Criteria: Invitae Variant Classification Sherloc (09022015). Collection method: clinical testing. Allele origin: germline.
Comment: This sequence change replaces arginine, which is basic and polar, with tryptophan, which is neutral and slightly polar, at codon 782 of the KCNQ2 protein (p.Arg782Trp). The frequency data for this variant in the population databases is considered unreliable, as metrics indicate poor data quality at this position in the gnomAD database. This variant has not been reported in the literature in individuals affected with KCNQ2-related conditions. ClinVar contains an entry for this variant (Variation ID: 1302247). An algorithm developed to predict the effect of missense changes on protein structure and function (PolyPhen-2) suggests that this variant is likely to be disruptive. In summary, the available evidence is currently insufficient to determine the role of this variant in disease. Therefore, it has been classified as a Variant of Uncertain Significance.

Blueprint Genetics
Classification: Uncertain significance. Last evaluated: 2023-06-23. Review status: criteria provided, single submitter. Criteria: ACMG Guidelines, 2015. Collection method: clinical testing. Allele origin: germline.

Cambridge Genomics Laboratory, East Genomic Laboratory Hub, NHS Genomic Medicine Service
Classification: Uncertain significance for Dystonia, early-onset, and/or spastic paraplegia. Last evaluated: 2020-05-29. Review status: criteria provided, single submitter. Criteria: ACGS Best Practice Guidelines for Variant Classification in Rare Disease 2020. Collection method: clinical testing. Allele origin: germline. Affected: yes. Observed: 1 variant allele.

GeneDx
Classification: Uncertain significance. Last evaluated: 2019-06-14. Review status: criteria provided, single submitter. Criteria: GeneDx Variant Classification Process June 2021. Collection method: clinical testing. Allele origin: germline. Affected: yes.
Comment: The majority of missense variants in this gene are considered pathogenic (Stenson et al., 2014); In silico analysis, which includes protein predictors and evolutionary conservation, supports a deleterious effect; Has not been previously published as pathogenic or benign to our knowledge; This substitution is predicted to be within the C-terminal cytoplasmic domain